The following is an entry in ClinVar:

NM_000257.4(MYH7):c.4294G>A (p.Val1432Ile)

Genes: MYH7 (myosin heavy chain 7; minus strand), MHRT (myosin heavy chain associated RNA transcript; plus strand). Cytogenetic location: 14q11.2.
Variant type: single nucleotide variant.
Coding change: c.4294G>A on transcript NM_000257.4 (MANE Select); coding-DNA position 4294, G replaced by A.
Protein change: p.Val1432Ile; replaces valine 1432 with isoleucine.
Molecular consequence: missense variant. On other transcripts: non-coding transcript variant (1).
Genome position (GRCh38, 1-based): chr14:23,417,562, C>T on the plus strand (G>A on the coding strand, the complement: MYH7 is on the minus strand). VCF-style: chr14-23417562-C-T. GRCh37 (hg19) VCF-style: chr14-23886771-C-T.
Other names: c.4294G>A (LRG_384t1); short protein forms V1432I.
Identifiers: ClinVar variation 453109 (VCV000453109.28), dbSNP rs144200285, ClinGen allele CA041577.

ClinVar aggregate classification (germline): Uncertain significance. Review status: criteria provided, multiple submitters, no conflicts (2 of 4 stars). 8 submissions from 8 submitters: Uncertain significance (8). Last evaluated 2025-12-24.

Conditions:
Congenital myopathy with fiber type disproportion. Also called: Congenital fiber-type disproportion; Congenital fiber-type disproportion myopathy. Identifiers: Orphanet 2020, MedGen C0546264, MONDO:0009711. Inheritance: all.
Myosin storage myopathy (CMYO7A). Also called: MYOPATHY WITH LYSIS OF TYPE I MYOFIBRILS; MYOPATHY, HYALINE BODY, AUTOSOMAL DOMINANT; Scapuloperoneal myopathy, MYH7-related; SCAPULOPERONEAL MUSCULAR DYSTROPHY; SCAPULOPERONEAL SYNDROME, MYOPATHIC TYPE; MYH7-related late-onset scapuloperoneal muscular dystrophy. Identifiers: Orphanet 437572, Orphanet 636965, MedGen C1842160, MONDO:0008409, OMIM 608358.
MYH7-related skeletal myopathy. Also called: Laing distal myopathy; Myopathy, distal, 1; MYOPATHY, DISTAL, EARLY-ONSET, AUTOSOMAL DOMINANT; MYOPATHY, LATE DISTAL HEREDITARY; Laing early-onset distal myopathy. Identifiers: Orphanet 59135, MedGen C4552004, MONDO:0008050, OMIM 160500.
Hypertrophic cardiomyopathy 1 (CMH1). Also called: Familial hypertrophic cardiomyopathy 1; MYH7-Related Familial Hypertrophic Cardiomyopathy. Identifiers: MedGen C3495498, MONDO:0008647, OMIM 192600.
Dilated cardiomyopathy 1S (CMD1S). Identifiers: Orphanet 154, Orphanet 54260, MedGen C1834481, MONDO:0013262, OMIM 613426.
Myopathy, myosin storage, autosomal recessive (CMYO7B). Also called: CONGENITAL MYOPATHY 7B, MYOSIN STORAGE, AUTOSOMAL RECESSIVE. Identifiers: Orphanet 636970, MedGen C1850709, MONDO:0009708, OMIM 255160.
Primary dilated cardiomyopathy (DCM). Also called: Dilated Cardiomyopathy. Identifiers: Orphanet 217604, MedGen C0007193, MeSH D002311, MONDO:0005021, HP:0001644. Inheritance: Various modes of inheritance.
Cardiovascular phenotype. Identifiers: MedGen CN230736.
Hypertrophic cardiomyopathy. Also called: HYPERTROPHIC MYOCARDIOPATHY. Identifiers: Orphanet 217569, MedGen C0007194, MeSH D002312, MONDO:0005045, HP:0001639.
Cardiomyopathy (CMYO). Also called: Cardiomyopathies. Identifiers: Orphanet 167848, MedGen C0878544, MONDO:0004994, HP:0001638. Inheritance: Various modes of inheritance.

Allele frequency attached by ClinVar (database versions not stated): gnomAD exomes 0.00001 and 0.00002; TOPMed 0.00003; gnomAD 0.00005; ESP Exome Variant Server 0.00015; ExAC 0.00005.
gnomAD v4.1: 22 of 1,612,318 alleles (0.0014%); highest among the groups gnomAD compares: African/African-American, 0.015%; no homozygotes.

Submissions (8):

Labcorp Genetics (formerly Invitae), Labcorp
Classification: Uncertain significance for Hypertrophic cardiomyopathy. Last evaluated: 2025-12-24. Review status: criteria provided, single submitter. Criteria: Invitae Variant Classification Sherloc (09022015). Collection method: clinical testing. Allele origin: germline.
Comment: This sequence change replaces valine, which is neutral and non-polar, with isoleucine, which is neutral and non-polar, at codon 1432 of the MYH7 protein (p.Val1432Ile). This variant is present in population databases (rs144200285, gnomAD 0.02%). This variant has not been reported in the literature in individuals affected with MYH7-related conditions. ClinVar contains an entry for this variant (Variation ID: 453109). Invitae Evidence Modeling of protein sequence and biophysical properties (such as structural, functional, and spatial information, amino acid conservation, physicochemical variation, residue mobility, and thermodynamic stability) indicates that this missense variant is expected to disrupt MYH7 protein function with a positive predictive value of 80%. In summary, the available evidence is currently insufficient to determine the role of this variant in disease. Therefore, it has been classified as a Variant of Uncertain Significance.

Ambry Genetics
Classification: Uncertain significance for Cardiovascular phenotype. Last evaluated: 2025-12-17. Review status: criteria provided, single submitter. Criteria: Ambry Variant Classification Scheme 2023. Collection method: clinical testing. Allele origin: germline.
Comment: The p.V1432I variant (also known as c.4294G>A), located in coding exon 29 of the MYH7 gene, results from a G to A substitution at nucleotide position 4294. The valine at codon 1432 is replaced by isoleucine, an amino acid with highly similar properties. This amino acid position is well conserved in available vertebrate species. In addition, this alteration is predicted to be tolerated by in silico analysis. Based on the available evidence, the clinical significance of this variant remains unclear.

Color Diagnostics, LLC DBA Color Health
Classification: Uncertain significance for Cardiomyopathy. Last evaluated: 2025-09-04. Review status: criteria provided, single submitter. Criteria: ACMG Guidelines, 2015. Collection method: clinical testing. Allele origin: germline.
Comment: This missense variant replaces valine with isoleucine at codon 1432 of the MYH7 protein. Computational prediction suggests that this variant may not impact protein structure and function. To our knowledge, functional studies have not been reported for this variant. This variant has been reported in an individual affected with sudden unexplained death (PMID: 33815637). This variant has been identified in 9/282848 chromosomes in the general population by the Genome Aggregation Database (gnomAD). The available evidence is insufficient to determine the role of this variant in disease conclusively. Therefore, this variant is classified as a Variant of Uncertain Significance.

GeneDx
Classification: Uncertain significance. Last evaluated: 2025-03-19. Review status: criteria provided, single submitter. Criteria: GeneDx Variant Classification Process June 2021. Collection method: clinical testing. Allele origin: germline. Affected: yes.
Comment: Identified in a patient with sudden cardiac death who harbored other cardiogenetic variants (PMID: 33815637); In silico analysis indicates that this missense variant does not alter protein structure/function; This variant is associated with the following publications: (PMID: 23403236, 33815637)

All of Us Research Program, National Institutes of Health
Classification: Uncertain significance for Cardiomyopathy. Last evaluated: 2023-12-01. Review status: criteria provided, single submitter. Criteria: ACMG Guidelines, 2015. Collection method: clinical testing. Allele origin: germline. Inheritance: Autosomal dominant inheritance. Observed: 4 variant alleles, 4 heterozygotes.
Comment: This missense variant replaces valine with isoleucine at codon 1432 of the MYH7 protein. Computational prediction suggests that this variant may not impact protein structure and function (internally defined REVEL score threshold <= 0.5, PMID: 27666373). To our knowledge, functional studies have not been reported for this variant. This variant has been reported in an individual affected with sudden unexplained death (PMID: 33815637). This variant has been identified in 9/282848 chromosomes in the general population by the Genome Aggregation Database (gnomAD). The available evidence is insufficient to determine the role of this variant in disease conclusively. Therefore, this variant is classified as a Variant of Uncertain Significance.

This study involves interpretation of variants in research participants for the purpose of population health screening. Participant phenotype was not available at the time of variant classification. Additional details can be found in publication PMID: 35346344, PMCID: PMC8962531

Fulgent Genetics
Classification: Uncertain significance for MYH7-related skeletal myopathy; Myosin storage myopathy; Hypertrophic cardiomyopathy 1; Myopathy, myosin storage, autosomal recessive; Congenital myopathy 4A, autosomal dominant; Dilated cardiomyopathy 1S. Last evaluated: 2021-08-05. Review status: criteria provided, single submitter. Criteria: ACMG Guidelines, 2015. Collection method: clinical testing. Allele origin: unknown.

Athena Diagnostics
Classification: Uncertain significance. Last evaluated: 2018-06-06. Review status: criteria provided, single submitter. Criteria: Athena Diagnostics Criteria. Collection method: clinical testing. Allele origin: germline.

Genetics and Genomics Program, Sidra Medicine
Classification: Uncertain significance for Primary dilated cardiomyopathy. Review status: criteria provided, single submitter. Criteria: ACMG Guidelines, 2015. Collection method: research. Allele origin: unknown. Affected: yes. Observed: 1 variant allele.

Literature cited by the submitters: PubMed 33815637 (cited by Color Diagnostics, LLC DBA Color Health and All of Us Research Program, National Institutes of Health); PubMed 23403236 (cited by Athena Diagnostics).